The following is an entry in ClinVar:

ClinVar aggregate classification (germline): Conflicting classifications of pathogenicity. Review status: criteria provided, conflicting classifications (1 of 4 stars). 3 submissions from 3 submitters: Uncertain significance (1); Likely benign (1). 1 of the submissions does not count toward it. Last evaluated 2025-10-12.

Conditions:
Focal segmental glomerulosclerosis 6 (FSGS6). Identifiers: Orphanet 656, MedGen C3279905, MONDO:0013589, OMIM 614131.
MYO1E-related disorder. Also called: MYO1E-related condition.

Allele frequency attached by ClinVar (database versions not stated): gnomAD exomes 0.00015; ExAC 0.00020; TOPMed 0.00049; gnomAD 0.00058 and 0.00062; 1000 Genomes Project 0.00060; 1000 Genomes Project 30x 0.00062; ESP Exome Variant Server 0.00077.
gnomAD v4.1: 153 of 1,613,708 alleles (0.0095%); highest among the groups gnomAD compares: African/African-American, 0.17%; no homozygotes.

Submissions (3):

Labcorp Genetics (formerly Invitae), Labcorp
Classification: Likely benign. Last evaluated: 2025-10-12. Review status: criteria provided, single submitter. Criteria: Invitae Variant Classification Sherloc (09022015). Collection method: clinical testing. Allele origin: germline.

Fulgent Genetics
Classification: Uncertain significance for Focal segmental glomerulosclerosis 6. Last evaluated: 2024-05-20. Review status: criteria provided, single submitter. Criteria: ACMG Guidelines, 2015. Collection method: clinical testing. Allele origin: germline.

PreventionGenetics, part of Exact Sciences
Classification: Likely benign for MYO1E-related condition. Last evaluated: 2019-06-28. Review status: no assertion criteria provided. Collection method: clinical testing. Allele origin: germline. Not counted in ClinVar's aggregate classification.
Comment: This variant is classified as likely benign based on ACMG/AMP sequence variant interpretation guidelines (Richards et al. 2015 PMID: 25741868, with internal and published modifications).

NM_004998.4(MYO1E):c.910+4C>T

Gene: MYO1E (myosin IE; minus strand). Cytogenetic location: 15q22.2.
Variant type: single nucleotide variant.
Coding change: c.910+4C>T on transcript NM_004998.4 (MANE Select); 4 bases into the intron after coding-DNA position 910, C replaced by T.
Molecular consequence: intron variant.
Genome position (GRCh38, 1-based): chr15:59,223,055, G>A on the plus strand (C>T on the coding strand, the complement: MYO1E is on the minus strand). VCF-style: chr15-59223055-G-A. GRCh37 (hg19) VCF-style: chr15-59515254-G-A.
Other names: c.910+4C>T (NM_004998.3).
Identifiers: ClinVar variation 1154662 (VCV001154662.12), dbSNP rs200066836, ClinGen allele CA7590164.